The following is an entry in ClinVar:

ClinVar aggregate classification (germline): Uncertain significance. Review status: criteria provided, multiple submitters, no conflicts (2 of 4 stars). 2 submissions from 2 submitters: Uncertain significance (2). Last evaluated 2025-11-20.

gnomAD v4.1: 9 of 1,428,874 alleles (0.00063%); highest among the groups gnomAD compares: Non-Finnish European, 0.00083%; no homozygotes.

Submissions (2):

Ambry Genetics
Classification: Uncertain significance. Last evaluated: 2025-11-20. Review status: criteria provided, single submitter. Criteria: Ambry Variant Classification Scheme 2023. Collection method: clinical testing. Allele origin: germline.

Labcorp Genetics (formerly Invitae), Labcorp
Classification: Uncertain significance. Last evaluated: 2025-11-02. Review status: criteria provided, single submitter. Criteria: Invitae Variant Classification Sherloc (09022015). Collection method: clinical testing. Allele origin: germline.
Comment: This sequence change replaces aspartic acid, which is acidic and polar, with glutamic acid, which is acidic and polar, at codon 54 of the CTF1 protein (p.Asp54Glu). This variant is not present in population databases (gnomAD no frequency). This variant has not been reported in the literature in individuals affected with CTF1-related conditions. ClinVar contains an entry for this variant (Variation ID: 2762165). An algorithm developed to predict the effect of missense changes on protein structure and function outputs the following: PolyPhen-2: "Possibly Damaging". The glutamic acid amino acid residue is found in multiple mammalian species, which suggests that this missense change does not adversely affect protein function. In summary, the available evidence is currently insufficient to determine the role of this variant in disease. Therefore, it has been classified as a Variant of Uncertain Significance.

NM_001330.5(CTF1):c.162C>A (p.Asp54Glu)

Genes: CTF1 (cardiotrophin 1; plus strand), LOC130058878 (ATAC-STARR-seq lymphoblastoid silent region 7400; plus strand). Cytogenetic location: 16p11.2.
Variant type: single nucleotide variant.
Coding change: c.162C>A on transcript NM_001330.5 (MANE Select); coding-DNA position 162, C replaced by A.
Protein change: p.Asp54Glu; replaces aspartic acid 54 with glutamic acid.
Molecular consequence: missense variant. On other transcripts: non-coding transcript variant (1).
Genome position (GRCh38, 1-based): chr16:30,902,095, C>A. VCF-style: chr16-30902095-C-A. GRCh37 (hg19) VCF-style: chr16-30913416-C-A.
Other names: c.159C>A, p.Asp53Glu (NM_001142544.3); short protein forms D54E, D53E.
Identifiers: ClinVar variation 2762165 (VCV002762165.4), dbSNP rs1370714794, ClinGen allele CA395618242.